The following is an entry in ClinVar:

NM_174878.3(CLRN1):c.254-2132C>T

Gene: CLRN1 (clarin 1; minus strand). Cytogenetic location: 3q25.1.
Variant type: single nucleotide variant.
Coding change: c.254-2132C>T on transcript NM_174878.3 (MANE Select); 2132 bases into the intron before coding-DNA position 254, C replaced by T.
Molecular consequence: intron variant. On other transcripts: nonsense (1), 5 prime UTR variant (1).
Genome position (GRCh38, 1-based): chr3:150,943,893, G>A on the plus strand (C>T on the coding strand, the complement: CLRN1 is on the minus strand). VCF-style: chr3-150943893-G-A. GRCh37 (hg19) VCF-style: chr3-150661680-G-A.
Other names: c.254-2132C>T (LRG_700t1, NM_001195794.1); c.352C>T (NM_001256819.1); c.-49C>T (LRG_700t2, NM_052995.2); c.352C>T, p.Arg118Ter (NM_001256819.2); short protein forms R118*.
Identifiers: ClinVar variation 552508 (VCV000552508.3), dbSNP rs758741442, ClinGen allele CA2666145.

ClinVar aggregate classification (germline): Likely pathogenic. Review status: criteria provided, single submitter (1 of 4 stars). 2 submissions from 2 submitters: Likely pathogenic (1). 1 of the submissions does not count toward it. Last evaluated 2025-08-05.

Conditions:
CLRN1-related disorder. Also called: CLRN1-related condition.
Usher syndrome type 3A (USH3A). Also called: USHER SYNDROME, TYPE IIIA. Identifiers: MedGen C5779850, MONDO:0010170, OMIM 276902.

Allele frequency attached by ClinVar (database versions not stated): ExAC 0.00001; gnomAD exomes 0.00001; gnomAD 0.00003 and 0.00004; TOPMed 0.00003.
gnomAD v4.1: 26 of 1,613,712 alleles (0.0016%); highest among the groups gnomAD compares: Middle Eastern, 0.033%; no homozygotes.

Submissions (2):

PreventionGenetics, part of Exact Sciences
Classification: Likely pathogenic for CLRN1-related condition. Last evaluated: 2025-08-05. Review status: criteria provided, single submitter. Criteria: ACMG Guidelines, 2015. Collection method: clinical testing. Allele origin: germline.
Comment: The CLRN1 c.352C>T variant is predicted to result in premature protein termination (p.Arg118*). To our knowledge, this variant has not been reported in the literature. This variant is reported in 0.0050% of alleles in individuals of East Asian descent in gnomAD. Nonsense variants in CLRN1 are expected to be pathogenic. This variant is interpreted as likely pathogenic.

Counsyl
Classification: Likely benign for Usher syndrome type 3A. Last evaluated: 2017-06-13. Review status: no assertion criteria provided. Collection method: clinical testing. Allele origin: unknown. Not counted in ClinVar's aggregate classification.